The following is an entry in ClinVar:

NM_004646.4(NPHS1):c.3135_3136del (p.Glu1046fs)

Gene: NPHS1 (NPHS1 adhesion molecule, nephrin; minus strand). Cytogenetic location: 19q13.12.
Variant type: Deletion.
Coding change: c.3135_3136del on transcript NM_004646.4 (MANE Select); coding-DNA positions 3135 to 3136, 2 bases deleted (TG; older notation c.3135_3136delTG).
Protein change: p.Glu1046fs; shifts the reading frame from glutamic acid 1046.
Molecular consequence: frameshift variant.
Genome position (GRCh38, 1-based): chr19:35,835,735-35,835,736, CA deleted on the plus strand (TG on the coding strand, the reverse complement: NPHS1 is on the minus strand). VCF-style (leftmost placement, unchanged base first): chr19-35835734-TCA-T. GRCh37 (hg19) VCF-style: chr19-36326636-TCA-T.
Other names: short protein forms E1046fs.
Identifiers: ClinVar variation 1986199 (VCV001986199.4), dbSNP rs2513761918, ClinGen allele CA2580096824.

ClinVar aggregate classification (germline): Pathogenic (1 of 4 stars; one submission).

Submission:

Labcorp Genetics (formerly Invitae), Labcorp
Classification: Pathogenic. Last evaluated: 2022-03-06. Review status: criteria provided, single submitter. Criteria: Invitae Variant Classification Sherloc (09022015). Collection method: clinical testing. Allele origin: germline.
Comment: For these reasons, this variant has been classified as Pathogenic. This variant has not been reported in the literature in individuals affected with NPHS1-related conditions. This variant is not present in population databases (gnomAD no frequency). This sequence change creates a premature translational stop signal (p.Glu1046Argfs*49) in the NPHS1 gene. It is expected to result in an absent or disrupted protein product. Loss-of-function variants in NPHS1 are known to be pathogenic (PMID: 11317351, 11854170, 12039988).

Literature cited by the submitters: PubMed 11317351; PubMed 11854170; PubMed 12039988.